The following is an entry in ClinVar:

ClinVar aggregate classification (germline): Conflicting classifications of pathogenicity. Review status: criteria provided, conflicting classifications (1 of 4 stars). 6 submissions from 6 submitters: Likely pathogenic (2); Uncertain significance (4). Last evaluated 2026-04-06.

Conditions:
Long QT syndrome (LQTS). Identifiers: MedGen C0023976, MeSH D008133, MONDO:0002442. Disease mechanism: loss of function. Inheritance: Various modes of inheritance.
Brugada syndrome 1 (BRGDA1). Also called: RIGHT BUNDLE BRANCH BLOCK, ST SEGMENT ELEVATION, AND SUDDEN DEATH SYNDROME. Identifiers: Orphanet 130, MedGen C4551804, MONDO:0011001, OMIM 601144.
Cardiovascular phenotype. Identifiers: MedGen CN230736.
Cardiac arrhythmia. Also called: Arrhythmia; Cardiac rhythm disease. Identifiers: MedGen C0003811, MONDO:0007263, HP:0011675.

Allele frequency attached by ClinVar (database versions not stated): TOPMed 0.00001; gnomAD 0.00002.

Submissions (6):

GeneDx
Classification: Likely pathogenic. Last evaluated: 2026-04-06. Review status: criteria provided, single submitter. Criteria: GeneDx Variant Classification Process June 2021. Collection method: clinical testing. Allele origin: germline.
Comment: Identified in a patient with Brugada-like pattern on ECG and a patient with LQTS (PMID: 38648771, 32893267); Published functional studies demonstrate a damaging effect as the p.(R397C) variant facilitates activation of KCNH2 channels, but hampers their inactivation in a GOF phenotype (PMID: 38648771); In silico analysis supports that this missense variant has a deleterious effect on protein structure/function; Not observed at significant frequency in large population cohorts (gnomAD); This variant is associated with the following publications: (PMID: 32893267, 38648771)

Labcorp Genetics (formerly Invitae), Labcorp
Classification: Uncertain significance for Long QT syndrome. Last evaluated: 2025-12-09. Review status: criteria provided, single submitter. Criteria: Invitae Variant Classification Sherloc (09022015). Collection method: clinical testing. Allele origin: germline.
Comment: This sequence change replaces arginine, which is basic and polar, with cysteine, which is neutral and slightly polar, at codon 397 of the KCNH2 protein (p.Arg397Cys). This variant is not present in population databases (gnomAD no frequency). This missense change has been observed in individual(s) with KCNH2-related conditions (PMID: 32893267, 38648771). ClinVar contains an entry for this variant (Variation ID: 405343). An algorithm developed to predict the effect of missense changes on protein structure and function (PolyPhen-2) suggests that this variant is likely to be disruptive. Experimental studies have shown that this missense change affects KCNH2 function (PMID: 38648771). In summary, the available evidence is currently insufficient to determine the role of this variant in disease. Therefore, it has been classified as a Variant of Uncertain Significance.

All of Us Research Program, National Institutes of Health
Classification: Uncertain significance for Long QT syndrome. Last evaluated: 2023-12-01. Review status: criteria provided, single submitter. Criteria: ACMG Guidelines, 2015. Collection method: clinical testing. Allele origin: germline. Inheritance: Autosomal dominant inheritance. Observed: 3 variant alleles, 3 heterozygotes.
Comment: This missense variant replaces arginine with cysteine at codon 397 of the KCNH2 protein. Computational prediction suggests that this variant may have deleterious impact on protein structure and function (internally defined REVEL score threshold >= 0.7, PMID: 27666373). To our knowledge, functional studies have not been reported for this variant. This variant has been reported in an individual affected with long QT syndrome (PMID: 32893267). This variant has not been identified in the general population by the Genome Aggregation Database (gnomAD). The available evidence is insufficient to determine the role of this variant in disease conclusively. Therefore, this variant is classified as a Variant of Uncertain Significance.

This study involves interpretation of variants in research participants for the purpose of population health screening. Participant phenotype was not available at the time of variant classification. Additional details can be found in publication PMID: 35346344, PMCID: PMC8962531

Petrovsky National Research Centre of Surgery, The Federal Agency for Scientific Organizations
Classification: Likely pathogenic for Brugada syndrome 1. Last evaluated: 2023-03-20. Review status: criteria provided, single submitter. Criteria: ACMG Guidelines, 2015. Collection method: clinical testing. Allele origin: germline. Inheritance: Autosomal dominant inheritance. Affected: yes. Observed: 1 heterozygote.
Comment: This variant is not present in LOVD database, not observed at significant frequency in large population cohorts (gnomAD v3.1.2). Multiple computational resources predict deleterious effect of p.R397C genetic variant. We found that HEK cells transfected with KCNH2-R397C plasmid have facilitated activation of the HERG channels, and hampered their inactivation, suggesting that p.R397C is a gain-of-function mutation (PMID: 38648771). Based on this evidence, we consider it to classify the c.1189C>T (p.R397C) variant as Likely Pathogenic.

Ambry Genetics
Classification: Uncertain significance for Cardiovascular phenotype. Last evaluated: 2023-02-15. Review status: criteria provided, single submitter. Criteria: Ambry Variant Classification Scheme 2023. Collection method: clinical testing. Allele origin: germline.
Comment: The p.R397C variant (also known as c.1189C>T), located in coding exon 6 of the KCNH2 gene, results from a C to T substitution at nucleotide position 1189. The arginine at codon 397 is replaced by cysteine, an amino acid with highly dissimilar properties. This alteration has been reported in a long QT syndrome cohort; however, clinical details were limited (Walsh R et al. Genet Med, 2021 Jan;23:47-58). This amino acid position is not well conserved in available vertebrate species. In addition, this alteration is predicted to be deleterious by in silico analysis. Since supporting evidence is limited at this time, the clinical significance of this alteration remains unclear.

Color Diagnostics, LLC DBA Color Health
Classification: Uncertain significance for Cardiac arrhythmia. Last evaluated: 2021-12-14. Review status: criteria provided, single submitter. Criteria: ACMG Guidelines, 2015. Collection method: clinical testing. Allele origin: germline.
Comment: This missense variant replaces arginine with cysteine at codon 397 of the KCNH2 protein. Computational prediction suggests that this variant may have deleterious impact on protein structure and function (internally defined REVEL score threshold >= 0.7, PMID: 27666373). To our knowledge, functional studies have not been reported for this variant. This variant has been reported in an individual affected with long QT syndrome (PMID: 32893267). This variant has not been identified in the general population by the Genome Aggregation Database (gnomAD). The available evidence is insufficient to determine the role of this variant in disease conclusively. Therefore, this variant is classified as a Variant of Uncertain Significance.

Literature cited by the submitters: PubMed 32893267 (cited by 4 submitters); PubMed 38648771 (cited by Labcorp Genetics (formerly Invitae), Labcorp and Petrovsky National Research Centre of Surgery, The Federal Agency for Scientific Organizations).

NM_000238.4(KCNH2):c.1189C>T (p.Arg397Cys)

Gene: KCNH2 (potassium voltage-gated channel subfamily H member 2; minus strand). Cytogenetic location: 7q36.1.
Variant type: single nucleotide variant.
Coding change: c.1189C>T on transcript NM_000238.4 (MANE Select); coding-DNA position 1189, C replaced by T.
Protein change: p.Arg397Cys; replaces arginine 397 with cysteine.
Molecular consequence: missense variant.
Genome position (GRCh38, 1-based): chr7:150,952,793, G>A on the plus strand (C>T on the coding strand, the complement: KCNH2 is on the minus strand). VCF-style: chr7-150952793-G-A. GRCh37 (hg19) VCF-style: chr7-150649881-G-A.
Other names: p.R397C; c.169C>T, p.Arg57Cys (NM_001204798.2, NM_172057.3); c.901C>T, p.Arg301Cys (NM_001406753.1, NM_001406756.1); c.1012C>T, p.Arg338Cys (NM_001406755.1); c.889C>T, p.Arg297Cys (NM_001406757.1); c.1189C>T, p.Arg397Cys (NM_172056.3); c.1189C>T (NM_000238.2); short protein forms R57C, R397C, R297C, R301C, R338C.
Identifiers: ClinVar variation 405343 (VCV000405343.48), dbSNP rs1060500663, ClinGen allele CA16612122.